The following is an entry in ClinVar:

ClinVar aggregate classification (germline): Pathogenic. Review status: criteria provided, single submitter (1 of 4 stars). 2 submissions from 2 submitters: Pathogenic (1). 1 of the submissions does not count toward it. Last evaluated 2025-03-21.

Conditions:
Mitochondrial complex I deficiency, nuclear type 23. Also called: Mitochondrial complex 1 deficiency, nuclear type 23. Identifiers: MedGen C4748799, MONDO:0032627, OMIM 618244.

Submissions (2):

First Genomix Gene Laboratory, Genetic Diagnostics Department
Classification: Pathogenic for Mitochondrial complex I deficiency, nuclear type 23. Last evaluated: 2025-03-21. Review status: criteria provided, single submitter. Criteria: ACMG Guidelines, 2015. Collection method: clinical testing. Allele origin: germline. Inheritance: Autosomal recessive inheritance. Affected: no. Observed: 1 variant allele.

OMIM
Classification: Pathogenic for MITOCHONDRIAL COMPLEX I DEFICIENCY, NUCLEAR TYPE 23. Last evaluated: 2021-09-01. Review status: no assertion criteria provided. Collection method: literature only. Allele origin: germline. Not counted in ClinVar's aggregate classification.

Literature cited by the submitters: PubMed 33715266 (cited by OMIM).

NM_018838.5(NDUFA12):c.395del (p.Lys132fs)

Gene: NDUFA12 (NADH:ubiquinone oxidoreductase subunit A12; minus strand). Cytogenetic location: 12q22.
Variant type: Deletion.
Coding change: c.395del on transcript NM_018838.5 (MANE Select); coding-DNA position 395, one base deleted (A; older notation c.395delA).
Protein change: p.Lys132fs; shifts the reading frame from lysine 132.
Molecular consequence: frameshift variant. On other transcripts: 3 prime UTR variant (1).
Genome position (GRCh38, 1-based): chr12:94,971,483, T deleted on the plus strand (A on the coding strand, the reverse complement: NDUFA12 is on the minus strand); the first of 3 consecutive T bases (chr12:94,971,483-94,971,485); deleting any one gives the same sequence. VCF-style (leftmost placement, unchanged base first): chr12-94971482-CT-C. GRCh37 (hg19) VCF-style: chr12-95365258-CT-C.
Other names: c.*115del (NM_001258338.2); c.395delA (NM_018838.5); short protein forms K132fs.
Identifiers: ClinVar variation 1220538 (VCV001220538.2), dbSNP rs2136056220, ClinGen allele CA2499221927.
Genomic context (GRCh38, chr12:94,971,482, plus strand): 5'-AACTGTTCTTCATTGTCTTTACTTGTAAGGTGTTGAAGGTGGGATCCACTCCTGAATCTT[CT>C]TTCTAGTGGTAGAATAAGGTACATATTGTTCTGGGGTGCCAGTCACGTTGAATTTATGGT-3'